The following is an entry in ClinVar:

ClinVar aggregate classification (germline): Uncertain significance. Review status: criteria provided, multiple submitters, no conflicts (2 of 4 stars). 2 submissions from 2 submitters: Uncertain significance (2). Last evaluated 2026-08-14.

Conditions:
Gastrointestinal stromal tumor. Also called: Gastrointestinal stromal tumor, somatic; Gastrointestinal stroma tumor. Identifiers: Orphanet 44890, MedGen C0238198, MeSH D046152, MONDO:0011719, OMIM 606764, HP:0100723.
Hereditary cancer-predisposing syndrome. Also called: Neoplastic Syndromes, Hereditary; Tumor predisposition; Hereditary Cancer Syndrome; Hereditary neoplastic syndrome. Identifiers: Orphanet 140162, MedGen C0027672, MeSH D009386, MONDO:0015356.

Submissions (2):

Ambry Genetics
Classification: Uncertain significance for Hereditary cancer-predisposing syndrome. Last evaluated: 2026-08-14. Review status: criteria provided, single submitter. Criteria: Ambry Variant Classification Scheme 2023. Collection method: clinical testing. Allele origin: germline.
Comment: The c.1121+3A>G intronic variant results from an A to G substitution 3 nucleotides after coding exon 6 in the PDGFRA gene. This nucleotide position is well conserved in available vertebrate species. In silico splice site analysis predicts that this alteration may weaken the native splice donor site. Based on the available evidence, the clinical significance of this variant remains unclear.

Labcorp Genetics (formerly Invitae), Labcorp
Classification: Uncertain significance for Gastrointestinal stromal tumor. Last evaluated: 2025-05-06. Review status: criteria provided, single submitter. Criteria: Invitae Variant Classification Sherloc (09022015). Collection method: clinical testing. Allele origin: germline.
Comment: This sequence change falls in intron 7 of the PDGFRA gene. It does not directly change the encoded amino acid sequence of the PDGFRA protein. It affects a nucleotide within the consensus splice site. This variant is not present in population databases (gnomAD no frequency). This variant has not been reported in the literature in individuals affected with PDGFRA-related conditions. Variants that disrupt the consensus splice site are a relatively common cause of aberrant splicing (PMID: 17576681, 9536098). Algorithms developed to predict the effect of sequence changes on RNA splicing suggest that this variant is not likely to affect RNA splicing. In summary, the available evidence is currently insufficient to determine the role of this variant in disease. Therefore, it has been classified as a Variant of Uncertain Significance.

Literature cited by the submitters: PubMed 17576681 (cited by Labcorp Genetics (formerly Invitae), Labcorp); PubMed 9536098 (cited by Labcorp Genetics (formerly Invitae), Labcorp).

NM_006206.6(PDGFRA):c.1121+3A>G

Gene: PDGFRA (platelet derived growth factor receptor alpha; plus strand). Cytogenetic location: 4q12.
Variant type: single nucleotide variant.
Coding change: c.1121+3A>G on transcript NM_006206.6 (MANE Select); 3 bases into the intron after coding-DNA position 1121, A replaced by G.
Molecular consequence: intron variant.
Genome position (GRCh38, 1-based): chr4:54,267,744, A>G. VCF-style: chr4-54267744-A-G. GRCh37 (hg19) VCF-style: chr4-55133911-A-G.
Other names: c.1196+3A>G (NM_001347828.2); c.1121+3A>G (NM_001347827.2, NM_001347829.2, NM_006206.4); c.1160+3A>G (NM_001347830.2).
Identifiers: ClinVar variation 4806110 (VCV004806110.2).